The following is an entry in ClinVar:

ClinVar aggregate classification (germline): Uncertain significance (1 of 4 stars; one submission).

gnomAD v4.1: 1 of 1,343,440 alleles (0.000074%); highest among the groups gnomAD compares: East Asian, 0.0025%; no homozygotes.

Submission:

CeGaT Center for Human Genetics Tuebingen
Classification: Uncertain significance. Last evaluated: 2022-06-01. Review status: criteria provided, single submitter. Criteria: CeGaT Center For Human Genetics Tuebingen Variant Classification Criteria Version 2. Collection method: clinical testing. Allele origin: germline. Affected: yes. Observed: 1 variant allele.
Comment: FSIP2: PM2, PP2, BP4

NM_173651.4(FSIP2):c.1045G>A (p.Ala349Thr)

Gene: FSIP2 (fibrous sheath interacting protein 2; plus strand). Cytogenetic location: 2q32.1.
Variant type: single nucleotide variant.
Coding change: c.1045G>A on transcript NM_173651.4 (MANE Select); coding-DNA position 1045, G replaced by A.
Protein change: p.Ala349Thr; replaces alanine 349 with threonine.
Molecular consequence: missense variant.
Genome position (GRCh38, 1-based): chr2:185,756,245, G>A. VCF-style: chr2-185756245-G-A. GRCh37 (hg19) VCF-style: chr2-186620972-G-A.
Other names: short protein forms A349T.
Identifiers: ClinVar variation 2651742 (VCV002651742.24), dbSNP rs2468638381, ClinGen allele CA349781853.